The following continues an entry in ClinVar:

NM_000492.4(CFTR):c.1040G>C (p.Arg347Pro)

Gene: CFTR. ClinVar aggregate classification (germline): Pathogenic. Pathogenic (1).

Submissions 9 to 25 of 25:

Blueprint Genetics
Classification: Pathogenic for CFTR-related disorders. Last evaluated: 2024-11-14. Review status: criteria provided, single submitter. Criteria: ACMG Guidelines, 2015. Collection method: clinical testing. Allele origin: germline. Affected: yes. Observed: 5 variant alleles. Not counted in ClinVar's aggregate classification.

Baylor Genetics
Classification: Pathogenic for Bronchiectasis with or without elevated sweat chloride 1. Last evaluated: 2024-03-20. Review status: criteria provided, single submitter. Criteria: ACMG Guidelines, 2015. Collection method: clinical testing. Allele origin: unknown. Not counted in ClinVar's aggregate classification.

Fulgent Genetics
Classification: Pathogenic for Hereditary pancreatitis; Bronchiectasis with or without elevated sweat chloride 1; Cystic fibrosis; Congenital bilateral aplasia of vas deferens from CFTR mutation. Last evaluated: 2024-01-08. Review status: criteria provided, single submitter. Criteria: ACMG Guidelines, 2015. Collection method: clinical testing. Allele origin: germline. Not counted in ClinVar's aggregate classification.

Mayo Clinic Laboratories, Mayo Clinic
Classification: Pathogenic. Last evaluated: 2023-01-23. Review status: criteria provided, single submitter. Criteria: ACMG Guidelines, 2015. Collection method: clinical testing. Allele origin: germline. Observed: 2 variant alleles. Not counted in ClinVar's aggregate classification.

Ambry Genetics
Classification: Pathogenic for Cystic fibrosis. Last evaluated: 2021-12-27. Review status: criteria provided, single submitter. Criteria: Ambry Variant Classification Scheme 2023. Collection method: clinical testing. Allele origin: germline. Not counted in ClinVar's aggregate classification.
Comment: The p.R347P pathogenic mutation (also known as c.1040G>C), located in coding exon 8 of the CFTR gene, results from a G to C substitution at nucleotide position 1040. The arginine at codon 347 is replaced by proline, an amino acid with dissimilar properties. This pathogenic mutation has been associated with variable pancreatic sufficiency, variable pulmonary disease, and elevated sweat chloride levels; in addition, functional in vitro studies showed significantly decreased CFTR expression and no chloride conduction (Braun AT et al. J Cyst Fibros. 2006;5(1):33-41; Sosnay PR et al. Nat Genet. 2013;45(10):1160-7). This variant is considered to be rare based on population cohorts in the Genome Aggregation Database (gnomAD). In addition, this alteration is predicted to be deleterious by in silico analysis. Based on the supporting evidence, this alteration is interpreted as a disease-causing mutation.

Quest Diagnostics Nichols Institute San Juan Capistrano
Classification: Pathogenic. Last evaluated: 2021-01-18. Review status: criteria provided, single submitter. Criteria: Quest Diagnostics criteria. Collection method: clinical testing. Allele origin: unknown. Not counted in ClinVar's aggregate classification.
Comment: This variant has been reported in individuals affected with Cystic Fibrosis in the published literature (PMID: 15371902 (2004), 32429104 (2020), 31523618 (2019), 22658665 (2012), 20448091 (2010)). Functional studies have shown that this variant results in defective CFTR protein maturation and protein conductance (PMID: 24440181 (2014), 23891399 (2014), 23974870 (2013)). Therefore, the variant is classified as pathogenic.

Johns Hopkins Genomics, Johns Hopkins University
Classification: Pathogenic for Cystic fibrosis. Last evaluated: 2020-02-27. Review status: criteria provided, single submitter. Criteria: ACMG Guidelines, 2015. Collection method: clinical testing. Allele origin: germline. Not counted in ClinVar's aggregate classification.
Comment: Disease-causing CFTR variant. See CFTR2 for phenotype information.

Myriad Genetics, Inc.
Classification: Pathogenic for Cystic fibrosis. Last evaluated: 2019-12-20. Review status: criteria provided, single submitter. Criteria: Myriad Women's Health Autosomal Recessive and X-Linked Classification Criteria (2019). Collection method: clinical testing. Allele origin: unknown. Not counted in ClinVar's aggregate classification.
Comment: NM_000492.3(CFTR):c.1040G>C(R347P) is classified as pathogenic in the context of cystic fibrosis. Sources cited for classification include the following: PMID 12454843, 23974870, 8535440 and 20448091. Classification of NM_000492.3(CFTR):c.1040G>C(R347P) is based on the following criteria: This is a well-established pathogenic variant in the literature that has been observed more frequently in patients with clinical diagnoses than in healthy populations. Please note: this variant was assessed in the context of healthy population screening.

Mendelics
Classification: Pathogenic for Cystic fibrosis. Last evaluated: 2018-11-05. Review status: criteria provided, single submitter. Criteria: Mendelics Assertion Criteria 2017. Collection method: clinical testing. Allele origin: unknown. Affected: yes. Not counted in ClinVar's aggregate classification.

CFTR-France
Classification: Pathogenic for cystic fibrosis. Last evaluated: 2018-01-29. Review status: criteria provided, single submitter. Criteria: Claustres M et al. (Hum Mutat 2017). Collection method: curation. Allele origin: germline. Affected: yes. Not counted in ClinVar's aggregate classification.

Women's Health and Genetics/Laboratory Corporation of America, LabCorp
Classification: Pathogenic for Cystic fibrosis. Last evaluated: 2017-01-27. Review status: criteria provided, single submitter. Criteria: LabCorp Variant Classification Summary - May 2015. Collection method: clinical testing. Allele origin: germline. Not counted in ClinVar's aggregate classification.
Comment: Variant summary: The CFTR c.1040G>C (p.Arg347Pro) variant located in the ABC transporter type 1, transmembrane domain (via InterPro) involves the alteration of a conserved nucleotide, which 4/5 in silico tools predict a damaging outcome. The variant of interest was observed in the large, broad control population, ExAC, with an allele frequency of 1/121338, which does not exceed the estimated maximal expected allele frequency of a pathogenic CFTR variant of 1/77. Multiple publications have cited the variant in affected individuals, and multiple clinical diagnostic laboratories/reputable databases classified this variant as pathogenic. The variant of interest is a known, well-established common Pathogenic. Therefore, the variant of interest has been classified as "pathogenic."

Baylor Genetics
Classification: Pathogenic for Congenital bilateral aplasia of vas deferens from CFTR mutation; Cystic fibrosis. Review status: criteria provided, single submitter. Criteria: ACMG Guidelines, 2015. Collection method: clinical testing. Allele origin: germline. Not counted in ClinVar's aggregate classification.

OMIM
Classification: Pathogenic for CYSTIC FIBROSIS. Last evaluated: 1991-01-01. Review status: no assertion criteria provided. Collection method: literature only. Allele origin: germline. Not counted in ClinVar's aggregate classification.

Clinical Genetics DNA and cytogenetics Diagnostics Lab, Erasmus MC, Erasmus Medical Center
Classification: Pathogenic. Review status: no assertion criteria provided. Collection method: clinical testing. Allele origin: germline. Affected: yes. Study: VKGL Data-share Consensus. Not counted in ClinVar's aggregate classification.

Diagnostic Laboratory, Department of Genetics, University Medical Center Groningen
Classification: Pathogenic. Review status: no assertion criteria provided. Collection method: clinical testing. Allele origin: germline. Affected: yes. Study: VKGL Data-share Consensus. Not counted in ClinVar's aggregate classification.

GeneReviews
No classification provided. Condition: Cystic fibrosis. Review status: no classification provided. Collection method: literature only. Allele origin: unknown. Not counted in ClinVar's aggregate classification.

Joint Genome Diagnostic Labs from Nijmegen and Maastricht, Radboudumc and MUMC+
Classification: Likely pathogenic. Review status: no assertion criteria provided. Collection method: clinical testing. Allele origin: germline. Affected: yes. Study: VKGL Data-share Consensus. Not counted in ClinVar's aggregate classification.

Literature cited by the submitters: PMC 3110945 (cited by American College of Medical Genetics and Genomics  (ACMG)); PubMed 1723032 (cited by Labcorp Genetics (formerly Invitae), Labcorp); PubMed 2344617 (cited by Labcorp Genetics (formerly Invitae), Labcorp); PubMed 10376575 (cited by Labcorp Genetics (formerly Invitae), Labcorp); PubMed 12400067 (cited by Labcorp Genetics (formerly Invitae), Labcorp); PubMed 31523618 (cited by Labcorp Genetics (formerly Invitae), Labcorp and Quest Diagnostics Nichols Institute San Juan Capistrano); PubMed 23891399 (cited by 3 submitters); PubMed 23974870 (cited by 5 submitters); PubMed 15239534 (cited by Otogenetics); PubMed 15591474 (cited by Otogenetics); PubMed 25910067 (cited by Otogenetics and Natera, Inc.); PubMed 34860163 (cited by Otogenetics); PubMed 12815607 (cited by Otogenetics); PubMed 16275171 (cited by Ambry Genetics); PubMed 20448091 (cited by Quest Diagnostics Nichols Institute San Juan Capistrano and Myriad Genetics, Inc.); PubMed 22658665 (cited by Quest Diagnostics Nichols Institute San Juan Capistrano); PubMed 32429104 (cited by Quest Diagnostics Nichols Institute San Juan Capistrano); PubMed 24440181 (cited by Quest Diagnostics Nichols Institute San Juan Capistrano); PubMed 18456578 (cited by Quest Diagnostics Nichols Institute San Juan Capistrano); PubMed 19885835 (cited by Quest Diagnostics Nichols Institute San Juan Capistrano); PubMed 21679131 (cited by Quest Diagnostics Nichols Institute San Juan Capistrano); PubMed 15371902 (cited by Quest Diagnostics Nichols Institute San Juan Capistrano and GeneReviews); PubMed 12767731 (cited by Quest Diagnostics Nichols Institute San Juan Capistrano and Women's Health and Genetics/Laboratory Corporation of America, LabCorp); PubMed 12454843 (cited by Myriad Genetics, Inc.); PubMed 8535440 (cited by Myriad Genetics, Inc.); PubMed 1937486 (cited by OMIM); PubMed 20301428 (cited by GeneReviews).